The following is an entry in ClinVar:

ClinVar aggregate classification (germline): Uncertain significance (1 of 4 stars; one submission).

Submission:

Labcorp Genetics (formerly Invitae), Labcorp
Classification: Uncertain significance. Last evaluated: 2021-07-11. Review status: criteria provided, single submitter. Criteria: Invitae Variant Classification Sherloc (09022015). Collection method: clinical testing. Allele origin: germline.
Comment: This variant has not been reported in the literature in individuals affected with CEP250-related conditions. This variant is not present in population databases (ExAC no frequency). This sequence change replaces serine with cysteine at codon 772 of the CEP250 protein (p.Ser772Cys). The serine residue is weakly conserved and there is a moderate physicochemical difference between serine and cysteine. Algorithms developed to predict the effect of missense changes on protein structure and function are either unavailable or do not agree on the potential impact of this missense change (SIFT: "Not Available"; PolyPhen-2: "Probably Damaging"; Align-GVGD: "Not Available"). In summary, the available evidence is currently insufficient to determine the role of this variant in disease. Therefore, it has been classified as a Variant of Uncertain Significance.

NM_007186.6(CEP250):c.2314A>T (p.Ser772Cys)

Genes: CEP250 (centrosomal protein 250; plus strand), CEP250-AS1 (CEP250 antisense RNA 1; minus strand). Cytogenetic location: 20q11.22.
Variant type: single nucleotide variant.
Coding change: c.2314A>T on transcript NM_007186.6 (MANE Select); coding-DNA position 2314, A replaced by T.
Protein change: p.Ser772Cys; replaces serine 772 with cysteine.
Molecular consequence: missense variant.
Genome position (GRCh38, 1-based): chr20:35,479,671, A>T. VCF-style: chr20-35479671-A-T. GRCh37 (hg19) VCF-style: chr20-34067496-A-T.
Other names: c.418A>T, p.Ser140Cys (NM_001318219.1); short protein forms S772C, S140C.
Identifiers: ClinVar variation 1504497 (VCV001504497.8), dbSNP rs2146882478, ClinGen allele CA408769286.